The following is an entry in ClinVar:

NM_153240.5(NPHP3):c.1411A>G (p.Ile471Val)

Genes: NPHP3 (nephrocystin 3; minus strand), NPHP3-ACAD11 (NPHP3-ACAD11 readthrough (NMD candidate); minus strand). Cytogenetic location: 3q22.1.
Variant type: single nucleotide variant.
Coding change: c.1411A>G on transcript NM_153240.5 (MANE Select); coding-DNA position 1411, A replaced by G.
Protein change: p.Ile471Val; replaces isoleucine 471 with valine.
Molecular consequence: missense variant. On other transcripts: non-coding transcript variant (1).
Genome position (GRCh38, 1-based): chr3:132,704,311, T>C on the plus strand (A>G on the coding strand, the complement: NPHP3 is on the minus strand). VCF-style: chr3-132704311-T-C. GRCh37 (hg19) VCF-style: chr3-132423155-T-C.
Other names: short protein forms I471V.
Identifiers: ClinVar variation 641403 (VCV000641403.7), dbSNP rs200659972, ClinGen allele CA83595986.

ClinVar aggregate classification (germline): Uncertain significance. Review status: criteria provided, multiple submitters, no conflicts (2 of 4 stars). 2 submissions from 2 submitters: Uncertain significance (2). Last evaluated 2022-06-26.

Conditions:
Nephronophthisis. Also called: Juvenile Nephronophthisis. Identifiers: Orphanet 655, MedGen C0687120, MONDO:0019005, HP:0000090.
NPHP3-related Meckel-like syndrome. Also called: GOLDSTON SYNDROME; Meckel syndrome type 7. Identifiers: Orphanet 3032, MedGen C2673885, MONDO:0009966, OMIM 267010.
Nephronophthisis 3 (NPHP3). Also called: Adolescent nephronophthisis. Identifiers: Orphanet 655, MedGen C1858392, MONDO:0011456, OMIM 604387.
Renal-hepatic-pancreatic dysplasia 1 (RHPD1). Identifiers: MedGen C3715199, MONDO:0008833, OMIM 208540.

Allele frequency attached by ClinVar (database versions not stated): gnomAD exomes below 0.00001; gnomAD 0.00001; TOPMed 0.00001; 1000 Genomes Project 30x 0.00016; 1000 Genomes Project 0.00020.
gnomAD v4.1: 6 of 1,614,208 alleles (0.00037%); highest among the groups gnomAD compares: Admixed American, 0.0017%; no homozygotes.

Submissions (2):

Labcorp Genetics (formerly Invitae), Labcorp
Classification: Uncertain significance for Nephronophthisis. Last evaluated: 2022-06-26. Review status: criteria provided, single submitter. Criteria: Invitae Variant Classification Sherloc (09022015). Collection method: clinical testing. Allele origin: germline.
Comment: This sequence change replaces isoleucine, which is neutral and non-polar, with valine, which is neutral and non-polar, at codon 471 of the NPHP3 protein (p.Ile471Val). This variant is not present in population databases (gnomAD no frequency). This variant has not been reported in the literature in individuals affected with NPHP3-related conditions. ClinVar contains an entry for this variant (Variation ID: 641403). Algorithms developed to predict the effect of missense changes on protein structure and function output the following: SIFT: "Tolerated"; PolyPhen-2: "Benign"; Align-GVGD: "Class C0". The valine amino acid residue is found in multiple mammalian species, which suggests that this missense change does not adversely affect protein function. In summary, the available evidence is currently insufficient to determine the role of this variant in disease. Therefore, it has been classified as a Variant of Uncertain Significance.

Fulgent Genetics
Classification: Uncertain significance for Renal-hepatic-pancreatic dysplasia 1; NPHP3-related Meckel-like syndrome; Nephronophthisis 3. Last evaluated: 2022-04-05. Review status: criteria provided, single submitter. Criteria: ACMG Guidelines, 2015. Collection method: clinical testing. Allele origin: unknown.